The following is an entry in ClinVar:

ClinVar aggregate classification (germline): Uncertain significance (1 of 4 stars; one submission).

Allele frequency attached by ClinVar (database versions not stated): ExAC 0.00003.
gnomAD v4.1: 7 of 1,606,912 alleles (0.00044%); highest among the groups gnomAD compares: Admixed American, 0.0017%; no homozygotes.

Submission:

Labcorp Genetics (formerly Invitae), Labcorp
Classification: Uncertain significance. Last evaluated: 2024-02-27. Review status: criteria provided, single submitter. Criteria: Invitae Variant Classification Sherloc (09022015). Collection method: clinical testing. Allele origin: germline.
Comment: This sequence change replaces arginine, which is basic and polar, with glutamine, which is neutral and polar, at codon 425 of the ITGAM protein (p.Arg425Gln). The frequency data for this variant in the population databases is considered unreliable, as metrics indicate poor data quality at this position in the gnomAD database. This variant has not been reported in the literature in individuals affected with ITGAM-related conditions. An algorithm developed to predict the effect of missense changes on protein structure and function (PolyPhen-2) suggests that this variant is likely to be disruptive. In summary, the available evidence is currently insufficient to determine the role of this variant in disease. Therefore, it has been classified as a Variant of Uncertain Significance.

NM_000632.4(ITGAM):c.1274G>A (p.Arg425Gln)

Gene: ITGAM (integrin subunit alpha M; plus strand). Cytogenetic location: 16p11.2.
Variant type: single nucleotide variant.
Coding change: c.1274G>A on transcript NM_000632.4 (MANE Select); coding-DNA position 1274, G replaced by A.
Protein change: p.Arg425Gln; replaces arginine 425 with glutamine.
Molecular consequence: missense variant.
Genome position (GRCh38, 1-based): chr16:31,278,027, G>A. VCF-style: chr16-31278027-G-A. GRCh37 (hg19) VCF-style: chr16-31289348-G-A.
Other names: c.1274G>A, p.Arg425Gln (NM_001145808.2); short protein forms R425Q.
Identifiers: ClinVar variation 2883370 (VCV002883370.3), dbSNP rs777126373, ClinGen allele CA8025487.